The following is an entry in ClinVar:

NM_001029896.2(WDR45):c.321T>C (p.Ser107=)

Gene: WDR45 (WD repeat domain 45; minus strand). Cytogenetic location: Xp11.23.
Variant type: single nucleotide variant.
Coding change: c.321T>C on transcript NM_001029896.2 (MANE Select); coding-DNA position 321, T replaced by C.
Protein change: p.Ser107=; no amino-acid change (serine 107 retained).
Molecular consequence: synonymous variant.
Genome position (GRCh38, 1-based): chrX:49,076,665, A>G on the plus strand (T>C on the coding strand, the complement: WDR45 is on the minus strand). VCF-style: chrX-49076665-A-G. GRCh37 (hg19) VCF-style: chrX-48934324-A-G.
Other names: c.324T>C, p.Ser108= (NM_007075.4).
Identifiers: ClinVar variation 513705 (VCV000513705.9), dbSNP rs142923330, ClinGen allele CA10408571.

ClinVar aggregate classification (germline): Likely benign. Review status: criteria provided, multiple submitters, no conflicts (2 of 4 stars). 2 submissions from 2 submitters: Likely benign (2). Last evaluated 2022-08-19.

Conditions:
Neurodegeneration with brain iron accumulation 5 (NBIA5). Also called: Beta-propeller protein-associated neurodegeneration; STATIC ENCEPHALOPATHY OF CHILDHOOD WITH NEURODEGENERATION IN ADULTHOOD. Identifiers: Orphanet 329284, MedGen C3550973, MONDO:0010476, OMIM 300894.

Allele frequency attached by ClinVar (database versions not stated): gnomAD exomes below 0.00001 and 0.00001; gnomAD 0.00001; ExAC 0.00003; TOPMed 0.00003; ESP Exome Variant Server 0.00019.
gnomAD v4.1: 2 of 1,209,740 alleles (0.00017%); highest among the groups gnomAD compares: South Asian, 0.0018%; no homozygotes.

Submissions (2):

Labcorp Genetics (formerly Invitae), Labcorp
Classification: Likely benign for Neurodegeneration with brain iron accumulation 5. Last evaluated: 2022-08-19. Review status: criteria provided, single submitter. Criteria: Invitae Variant Classification Sherloc (09022015). Collection method: clinical testing. Allele origin: germline.

GeneDx
Classification: Likely benign. Last evaluated: 2017-12-12. Review status: criteria provided, single submitter. Criteria: GeneDx Variant Classification (06012015). Collection method: clinical testing. Allele origin: germline. Affected: yes.
Comment: This variant is considered likely benign or benign based on one or more of the following criteria: it is a conservative change, it occurs at a poorly conserved position in the protein, it is predicted to be benign by multiple in silico algorithms, and/or has population frequency not consistent with disease.